The following is an entry in ClinVar:

ClinVar aggregate classification (germline): Likely benign (1 of 4 stars; one submission).

Submission:

Laboratory for Molecular Medicine, Mass General Brigham Personalized Medicine
Classification: Likely benign. Last evaluated: 2016-07-21. Review status: criteria provided, single submitter. Criteria: LMM Criteria. Collection method: clinical testing. Allele origin: germline. Observed: 1 variant allele.
Comment: p.Ile83Ile in exon 4 of ESRRB: This variant is not expected to have clinical sig nificance because it does not alter an amino acid residue and is not located wit hin the splice consensus sequence.

NM_001379180.1(ESRRB):c.312C>A (p.Ile104=)

Gene: ESRRB (estrogen related receptor beta; plus strand). Cytogenetic location: 14q24.3.
Variant type: single nucleotide variant.
Coding change: c.312C>A on transcript NM_001379180.1 (MANE Select); coding-DNA position 312, C replaced by A.
Protein change: p.Ile104=; no amino-acid change (isoleucine 104 retained).
Molecular consequence: synonymous variant.
Genome position (GRCh38, 1-based): chr14:76,439,602, C>A. VCF-style: chr14-76439602-C-A. GRCh37 (hg19) VCF-style: chr14-76905945-C-A.
Other names: c.249C>A, p.Ile83= (NM_004452.4).
Identifiers: ClinVar variation 505211 (VCV000505211.4), dbSNP rs1555397494, ClinGen allele CA487277728.